The following is an entry in ClinVar:

NM_005996.4(TBX3):c.1937C>T (p.Ala646Val)

Gene: TBX3 (T-box transcription factor 3; minus strand). Cytogenetic location: 12q24.21.
Variant type: single nucleotide variant.
Coding change: c.1937C>T on transcript NM_005996.4 (MANE Select); coding-DNA position 1937, C replaced by T.
Protein change: p.Ala646Val; replaces alanine 646 with valine.
Molecular consequence: missense variant.
Genome position (GRCh38, 1-based): chr12:114,672,076, G>A on the plus strand (C>T on the coding strand, the complement: TBX3 is on the minus strand). VCF-style: chr12-114672076-G-A. GRCh37 (hg19) VCF-style: chr12-115109881-G-A.
Other names: c.1997C>T, p.Ala666Val (NM_016569.4); c.1997C>T (NM_016569.3); short protein forms A646V, A666V.
Identifiers: ClinVar variation 2192551 (VCV002192551.6), dbSNP rs940436570, ClinGen allele CA244141627.

ClinVar aggregate classification (germline): Uncertain significance. Review status: criteria provided, single submitter (1 of 4 stars). 2 submissions from 2 submitters: Uncertain significance (1). 1 of the submissions does not count toward it. Last evaluated 2026-01-07.

Conditions:
TBX3-related disorder. Also called: TBX3-related condition.
Ulnar-mammary syndrome (UMS). Also called: Ulnar-mammary syndrome of Pallister; PALLISTER ULNAR-MAMMARY SYNDROME; SCHINZEL SYNDROME. Identifiers: Orphanet 3138, MedGen C1866994, MONDO:0008411, OMIM 181450.

Allele frequency attached by ClinVar (database versions not stated): gnomAD exomes 0.00001; TOPMed 0.00002; gnomAD 0.00004.
gnomAD v4.1: 13 of 1,566,592 alleles (0.00083%); highest among the groups gnomAD compares: African/African-American, 0.018%; no homozygotes.

Submissions (2):

Labcorp Genetics (formerly Invitae), Labcorp
Classification: Uncertain significance for Ulnar-mammary syndrome. Last evaluated: 2026-01-07. Review status: criteria provided, single submitter. Criteria: Invitae Variant Classification Sherloc (09022015). Collection method: clinical testing. Allele origin: germline.
Comment: This sequence change replaces alanine, which is neutral and non-polar, with valine, which is neutral and non-polar, at codon 646 of the TBX3 protein (p.Ala646Val). This variant is present in population databases (no rsID available, gnomAD 0.006%). This variant has not been reported in the literature in individuals affected with TBX3-related conditions. ClinVar contains an entry for this variant (Variation ID: 2192551). An algorithm developed to predict the effect of missense changes on protein structure and function (PolyPhen-2) suggests that this variant is likely to be tolerated. In summary, the available evidence is currently insufficient to determine the role of this variant in disease. Therefore, it has been classified as a Variant of Uncertain Significance.

PreventionGenetics, part of Exact Sciences
Classification: Uncertain significance for TBX3-related condition. Last evaluated: 2023-12-31. Review status: no assertion criteria provided. Collection method: clinical testing. Allele origin: germline. Not counted in ClinVar's aggregate classification.
Comment: The TBX3 c.1997C>T variant is predicted to result in the amino acid substitution p.Ala666Val. To our knowledge, this variant has not been reported in the literature. This variant is reported in 0.0058% of alleles in individuals of African descent in gnomAD. At this time, the clinical significance of this variant is uncertain due to the absence of conclusive functional and genetic evidence.